The following is an entry in ClinVar:

ClinVar aggregate classification (germline): Likely benign (1 of 4 stars; one submission).

Submission:

CeGaT Center for Human Genetics Tuebingen
Classification: Likely benign. Last evaluated: 2026-05-01. Review status: criteria provided, single submitter. Criteria: CeGaT Center For Human Genetics Tuebingen Variant Classification Criteria Version 2. Collection method: clinical testing. Allele origin: germline. Affected: yes. Observed: 1 variant allele.
Comment: ZNF100: BP4, BP7

NM_173531.4(ZNF100):c.1005C>T (p.His335=)

Gene: ZNF100 (zinc finger protein 100; minus strand). Cytogenetic location: 19p12.
Variant type: single nucleotide variant.
Coding change: c.1005C>T on transcript NM_173531.4 (MANE Select); coding-DNA position 1005, C replaced by T.
Protein change: p.His335=; no amino-acid change (histidine 335 retained).
Molecular consequence: synonymous variant.
Genome position (GRCh38, 1-based): chr19:21,727,307, G>A on the plus strand (C>T on the coding strand, the complement: ZNF100 is on the minus strand). VCF-style: chr19-21727307-G-A. GRCh37 (hg19) VCF-style: chr19-21910109-G-A.
Other names: c.1002C>T, p.His334= (NM_001351669.2); c.906C>T, p.His302= (NM_001351670.2); c.702C>T, p.His234= (NM_001351671.2); c.360C>T, p.His120= (NM_001351672.2).
Identifiers: ClinVar variation 4872190 (VCV004872190.2).